The following is an entry in ClinVar:

NM_033305.3(VPS13A):c.6098C>G (p.Ser2033Ter)

Gene: VPS13A (vacuolar protein sorting 13 homolog A; plus strand). Cytogenetic location: 9q21.2.
Variant type: single nucleotide variant.
Coding change: c.6098C>G on transcript NM_033305.3 (MANE Select); coding-DNA position 6098, C replaced by G.
Protein change: p.Ser2033Ter; replaces serine 2033 with a stop codon.
Molecular consequence: nonsense.
Genome position (GRCh38, 1-based): chr9:77,337,257, C>G. VCF-style: chr9-77337257-C-G. GRCh37 (hg19) VCF-style: chr9-79952173-C-G.
Other names: c.5981C>G, p.Ser1994Ter (NM_001018037.2); c.6098C>G, p.Ser2033Ter (NM_001018038.3, NM_015186.4); short protein forms S1994*, S2033*.
Identifiers: ClinVar variation 5010489 (VCV005010489.1).

ClinVar aggregate classification (germline): Pathogenic (1 of 4 stars; one submission).

Conditions:
VPS13A-related neurodegenerative disease. Also called: ACANTHOCYTOSIS WITH NEUROLOGIC DISORDER; LEVINE-CRITCHLEY SYNDROME; Choreoacanthocytosis; Chorea-acanthocytosis; Choreaacanthocytosis; VPS13A Disease. Identifiers: Orphanet 2388, MedGen C0393576, MONDO:0008695, OMIM 200150.

Submission:

Myriad Genetics, Inc.
Classification: Pathogenic for VPS13A-related neurodegenerative disease. Last evaluated: 2024-05-14. Review status: criteria provided, single submitter. Criteria: Myriad Autosomal Dominant, Autosomal Recessive and X-Linked Classification Criteria (2023). Collection method: clinical testing. Allele origin: unknown.
Comment: NM_033305.2(VPS13A):c.6098C>G(S2033*) is expected to be pathogenic in the context of VPS13A disease. This variant is predicted to lead to an abnormal or absent protein product due to the creation of a premature termination codon in VPS13A, a gene where loss-of-function variants are known to be pathogenic. Please note: this variant was assessed in the context of healthy population screening.